The following is an entry in ClinVar:

NM_152419.3(HGSNAT):c.1575_1576del (p.Glu526fs)

Gene: HGSNAT (heparan-alpha-glucosaminide N-acetyltransferase; plus strand). Cytogenetic location: 8p11.21.
Variant type: Deletion.
Coding change: c.1575_1576del on transcript NM_152419.3 (MANE Select); coding-DNA positions 1575 to 1576, 2 bases deleted (TG; older notation c.1575_1576delTG).
Protein change: p.Glu526fs; shifts the reading frame from glutamic acid 526.
Molecular consequence: frameshift variant.
Genome position (GRCh38, 1-based): chr8:43,197,704-43,197,705, TG deleted. VCF-style (leftmost placement, unchanged base first): chr8-43197703-CTG-C. GRCh37 (hg19) VCF-style: chr8-43052846-CTG-C.
Other names: c.1662_1663del, p.Glu555fs (NM_001363227.2); c.1383_1384del, p.Glu462fs (NM_001363228.2); c.711_712del, p.Glu238fs (NM_001363229.2); short protein forms E238fs, E462fs, E526fs, E555fs.
Identifiers: ClinVar variation 1724439 (VCV001724439.2), dbSNP rs2487117774, ClinGen allele CA2580078514.
Genomic context (GRCh38, chr8:43,197,703, plus strand): 5'-TGTTAACATCCTTCTCTTCCCCATTACAGGGGCTCATTTCTGTTGCTCTGACGAAGGTTT[CTG>C]AAAATGAAGGCTTTATTCCAGTAAACAAAAATCTCTGGTATGTATGGAAAAAGCATGATT-3'

ClinVar aggregate classification (germline): Likely pathogenic (1 of 4 stars; one submission).

Conditions:
Mucopolysaccharidosis, MPS-III-C (MPS3C). Also called: MUCOPOLYSACCHARIDOSIS, TYPE IIIC; Mucopolysaccharidosis type IIIC (Sanfilippo C); SANFILIPPO SYNDROME C; MPS III C; mucopolysaccharidosis type 3C; MPS IIIC (Sanfilippo Syndrome Type C). Identifiers: Orphanet 581, Orphanet 79271, MedGen C0086649, MONDO:0009657, OMIM 252930.

Submission:

Myriad Genetics, Inc.
Classification: Likely pathogenic for Mucopolysaccharidosis, MPS-III-C. Last evaluated: 2022-02-17. Review status: criteria provided, single submitter. Criteria: Myriad Women's Health Autosomal Recessive and X-Linked Classification Criteria (2021). Collection method: clinical testing. Allele origin: unknown.
Comment: NM_152419.2(HGSNAT):c.1575_1576delTG(E526Kfs*2) is expected to be pathogenic in the context of mucopolysaccharidosis type IIIC. This variant is predicted to lead to an abnormal or absent protein product due to the creation of a premature termination codon in HGSNAT, a gene where loss-of-function variants are known to be pathogenic. Please note: this variant was assessed in the context of healthy population screening.